The following is an entry in ClinVar:

ClinVar aggregate classification (germline): Uncertain significance (1 of 4 stars; one submission).

Submission:

GeneDx
Classification: Uncertain significance. Last evaluated: 2025-08-08. Review status: criteria provided, single submitter. Criteria: GeneDx Variant Classification Process June 2021. Collection method: clinical testing. Allele origin: germline. Affected: yes.
Comment: Not observed at significant frequency in large population cohorts (gnomAD); In silico analysis supports that this missense variant has a deleterious effect on protein structure/function; Has not been previously published as pathogenic or benign to our knowledge

NM_001146156.2(GSK3B):c.541G>T (p.Asp181Tyr)

Gene: GSK3B (glycogen synthase kinase 3 beta; minus strand). Cytogenetic location: 3q13.33.
Variant type: single nucleotide variant.
Coding change: c.541G>T on transcript NM_001146156.2 (MANE Select); coding-DNA position 541, G replaced by T.
Protein change: p.Asp181Tyr; replaces aspartic acid 181 with tyrosine.
Molecular consequence: missense variant.
Genome position (GRCh38, 1-based): chr3:119,916,111, C>A on the plus strand (G>T on the coding strand, the complement: GSK3B is on the minus strand). VCF-style: chr3-119916111-C-A. GRCh37 (hg19) VCF-style: chr3-119634958-C-A.
Other names: c.541G>T, p.Asp181Tyr (NM_001354596.2, NM_002093.4); short protein forms D181Y.
Identifiers: ClinVar variation 4795699 (VCV004795699.1).